The following is an entry in ClinVar:

NM_000023.4(SGCA):c.770del (p.Pro257fs)

Gene: SGCA (sarcoglycan alpha; plus strand). Cytogenetic location: 17q21.33.
Variant type: Deletion.
Coding change: c.770del on transcript NM_000023.4 (MANE Select); coding-DNA position 770, one base deleted (C; older notation c.770delC).
Protein change: p.Pro257fs; shifts the reading frame from proline 257.
Molecular consequence: frameshift variant. On other transcripts: intron variant (1).
Genome position (GRCh38, 1-based): chr17:50,170,165, C deleted; the last of 2 consecutive C bases (chr17:50,170,164-50,170,165); deleting either gives the same sequence. VCF-style (leftmost placement, unchanged base first): chr17-50170163-GC-G. GRCh37 (hg19) VCF-style: chr17-48247524-GC-G.
Other names: c.585-475del (NM_001135697.3); short protein forms P257fs.
Identifiers: ClinVar variation 288637 (VCV000288637.8), dbSNP rs886043962, ClinGen allele CA10606166.

ClinVar aggregate classification (germline): Pathogenic. Review status: criteria provided, multiple submitters, no conflicts (2 of 4 stars). 2 submissions from 2 submitters: Pathogenic (2). Last evaluated 2025-03-13.

Conditions:
Autosomal recessive limb-girdle muscular dystrophy type 2D (LGMDR3). Also called: DUCHENNE-LIKE AUTOSOMAL RECESSIVE MUSCULAR DYSTROPHY, TYPE 2; MUSCULAR DYSTROPHY, LIMB-GIRDLE, AUTOSOMAL RECESSIVE 3; ADHALINOPATHY, PRIMARY. Identifiers: Orphanet 62, MedGen C2936332, MONDO:0011968, OMIM 608099. Disease mechanism: Affects gamma-sarcoglycan and also disrupts the integrity of the entire sarcoglycan complex..

Submissions (2):

Labcorp Genetics (formerly Invitae), Labcorp
Classification: Pathogenic for Autosomal recessive limb-girdle muscular dystrophy type 2D. Last evaluated: 2025-03-13. Review status: criteria provided, single submitter. Criteria: Invitae Variant Classification Sherloc (09022015). Collection method: clinical testing. Allele origin: germline.
Comment: This sequence change creates a premature translational stop signal (p.Pro257Leufs*64) in the SGCA gene. It is expected to result in an absent or disrupted protein product. Loss-of-function variants in SGCA are known to be pathogenic (PMID: 9192266). This variant is not present in population databases (gnomAD no frequency). This variant has not been reported in the literature in individuals affected with SGCA-related conditions. ClinVar contains an entry for this variant (Variation ID: 288637). For these reasons, this variant has been classified as Pathogenic.

Eurofins Ntd Llc (ga)
Classification: Pathogenic. Last evaluated: 2016-06-09. Review status: criteria provided, single submitter. Criteria: EGL Classification Definitions 2015. Collection method: clinical testing. Allele origin: germline. Observed: 1 variant allele, 1 homozygote.

Literature cited by the submitters: PubMed 9192266 (cited by Labcorp Genetics (formerly Invitae), Labcorp).